The following is an entry in ClinVar:

NM_001453.3(FOXC1):c.1111_1119dup (p.Ser373_Ser374insAlaGlySer)

Gene: FOXC1 (forkhead box C1; plus strand). Cytogenetic location: 6p25.3.
Variant type: Duplication.
Coding change: c.1111_1119dup on transcript NM_001453.3 (MANE Select); coding-DNA positions 1111 to 1119, 9 bases duplicated (GCGGGCAGC; older notation c.1111_1119dupGCGGGCAGC).
Protein change: p.Ser373_Ser374insAlaGlySer.
Molecular consequence: inframe insertion.
Genome position (GRCh38, 1-based): chr6:1,611,556-1,611,564, GCGGGCAGC duplicated; duplicating any 9 consecutive bases within chr6:1,611,552-1,611,564 gives the same sequence; the c. name uses the placement nearest the transcript's 3' end. VCF-style (leftmost placement, unchanged base first): chr6-1611551-C-CCAGCGCGGG. GRCh37 (hg19) VCF-style: chr6-1611786-C-CCAGCGCGGG.
Identifiers: ClinVar variation 2006926 (VCV002006926.4), dbSNP rs1281315755, ClinGen allele CA565356188.

ClinVar aggregate classification (germline): Uncertain significance (1 of 4 stars; one submission).

Conditions:
Axenfeld-Rieger syndrome type 3 (RIEG3). Also called: AXENFELD-RIEGER ANOMALY WITH CARDIAC DEFECTS AND/OR SENSORINEURAL HEARING LOSS. Identifiers: Orphanet 782, MedGen C2678503, MONDO:0011233, OMIM 602482.

Submission:

Labcorp Genetics (formerly Invitae), Labcorp
Classification: Uncertain significance for Axenfeld-Rieger syndrome type 3. Last evaluated: 2022-06-09. Review status: criteria provided, single submitter. Criteria: Invitae Variant Classification Sherloc (09022015). Collection method: clinical testing. Allele origin: germline.
Comment: In summary, the available evidence is currently insufficient to determine the role of this variant in disease. Therefore, it has been classified as a Variant of Uncertain Significance. Experimental studies and prediction algorithms are not available or were not evaluated, and the functional significance of this variant is currently unknown. This variant has not been reported in the literature in individuals affected with FOXC1-related conditions. The frequency data for this variant in the population databases is considered unreliable, as metrics indicate poor data quality at this position in the gnomAD database. This variant, c.1111_1119dup, results in the insertion of 3 amino acid(s) of the FOXC1 protein (p.Ala371_Ser373dup), but otherwise preserves the integrity of the reading frame.